The following is an entry in ClinVar:

NM_000059.4(BRCA2):c.3556_3565del (p.Val1186fs)

Gene: BRCA2 (BRCA2 DNA repair associated; plus strand). Cytogenetic location: 13q13.1.
Variant type: Deletion.
Coding change: c.3556_3565del on transcript NM_000059.4 (MANE Select); coding-DNA positions 3556 to 3565, 10 bases deleted (GTTGAAATTA; older notation c.3556_3565delGTTGAAATTA).
Protein change: p.Val1186fs; shifts the reading frame from valine 1186.
Molecular consequence: frameshift variant.
Genome position (GRCh38, 1-based): chr13:32,337,911-32,337,920, GTTGAAATTA deleted; deleting any 10 consecutive bases within chr13:32,337,910-32,337,920 gives the same sequence; the c. name uses the placement nearest the transcript's 3' end. VCF-style (leftmost placement, unchanged base first): chr13-32337909-CAGTTGAAATT-C. GRCh37 (hg19) VCF-style: chr13-32912046-CAGTTGAAATT-C.
Other names: c.3556_3565delGTTGAAATTA (NM_000059.3); short protein forms V1186fs.
Identifiers: ClinVar variation 51487 (VCV000051487.3), dbSNP rs397507676, ClinGen allele CA018331.

ClinVar aggregate classification (germline): Pathogenic. Review status: reviewed by expert panel (3 of 4 stars). 2 submissions from 2 submitters: Pathogenic (1). 1 of the submissions does not count toward it. Last evaluated 2017-12-15.

Conditions:
Breast-ovarian cancer, familial, susceptibility to, 2 (BROVCA2). Also called: BRCA2 Hereditary Breast and Ovarian Cancer. Identifiers: Orphanet 145, MedGen C2675520, MONDO:0012933, OMIM 612555. Disease mechanism: loss of function.
Familial cancer of breast. Also called: BREAST CANCER, FAMILIAL; Hereditary breast cancer; hereditary breast carcinoma. Identifiers: Orphanet 227535, MedGen C0346153, MONDO:0016419, OMIM 114480. Disease mechanism: loss of function.

Submissions (2):

Evidence-based Network for the Interpretation of Germline Mutant Alleles (ENIGMA)
Classification: Pathogenic for Breast-ovarian cancer, familial, susceptibility to, 2. Last evaluated: 2017-12-15. Review status: reviewed by expert panel. Criteria: ENIGMA BRCA1/2 Classification Criteria (2017-06-29). Collection method: curation. Allele origin: germline. Study: ENIGMA.
Comment: Variant allele predicted to encode a truncated non-functional protein.

ClinVar Staff, National Center for Biotechnology Information (NCBI)
No classification provided. Condition: Familial cancer of breast. Review status: no classification provided. Collection method: literature only. Allele origin: germline. Affected: yes. Not counted in ClinVar's aggregate classification.

Literature cited by the submitters: PubMed 17453335 (cited by ClinVar Staff, National Center for Biotechnology Information (NCBI)).